The following is an entry in ClinVar:

ClinVar aggregate classification (germline): Pathogenic (1 of 4 stars; one submission).

Conditions:
Ehlers-Danlos syndrome, dermatosparaxis type. Also called: EDS VIIC; Dermatosparaxis; Ehlers-Danlos syndrome, type VII, autosomal recessive. Identifiers: Orphanet 1901, MedGen C2700425, MONDO:0009161, OMIM 225410.

Submission:

Myriad Genetics, Inc.
Classification: Pathogenic for Ehlers-Danlos syndrome, dermatosparaxis type. Last evaluated: 2024-05-14. Review status: criteria provided, single submitter. Criteria: Myriad Autosomal Dominant, Autosomal Recessive and X-Linked Classification Criteria (2023). Collection method: clinical testing. Allele origin: unknown.
Comment: NM_014244.4(ADAMTS2):c.81_82insAGCA(L28Sfs*39) is expected to be pathogenic in the context of Ehlers-Danlos syndrome, ADAMTS2-related. This variant is predicted to lead to an abnormal or absent protein product due to the creation of a premature termination codon in ADAMTS2, a gene where loss-of-function variants are known to be pathogenic. Please note: this variant was assessed in the context of healthy population screening.

NM_014244.5(ADAMTS2):c.81_82insAGCA (p.Leu28fs)

Gene: ADAMTS2 (ADAM metallopeptidase with thrombospondin type 1 motif 2; minus strand). Cytogenetic location: 5q35.3.
Variant type: Insertion.
Coding change: c.81_82insAGCA on transcript NM_014244.5 (MANE Select); coding-DNA positions 81 to 82, AGCA inserted.
Protein change: p.Leu28fs; shifts the reading frame from leucine 28.
Molecular consequence: frameshift variant.
Genome position: GRCh38 VCF-style: chr5-179345247-G-GTGCT. GRCh37 (hg19) VCF-style: chr5-178772248-G-GTGCT.
Other names: c.81_82insAGCA, p.Leu28fs (NM_021599.4); short protein forms L28fs.
Identifiers: ClinVar variation 5010605 (VCV005010605.1).
Genomic context (GRCh38, chr5:179,345,247, plus strand): 5'-TACCTGGGGGGTCGGCGGCGGCGGCGAGCCTGGCGTTCGCGGGCGGCGGCGGCGGCGGCA[G>GTGCT]GAGCGGCGGCGGCAGCAGCAGCAGCAGCAGCAGCAGCGCGGGGCAGAGCAGGCGGCGAGC-3'